The following is an entry in ClinVar:

ClinVar aggregate classification (germline): Uncertain significance. Review status: criteria provided, multiple submitters, no conflicts (2 of 4 stars). 2 submissions from 2 submitters: Uncertain significance (2). Last evaluated 2024-03-27.

Allele frequency attached by ClinVar (database versions not stated): gnomAD exomes below 0.00001; gnomAD 0.00001; TOPMed 0.00001.
gnomAD v4.1: 3 of 1,612,434 alleles (0.00019%); highest among the groups gnomAD compares: Non-Finnish European, 0.00025%; no homozygotes.

Submissions (2):

Labcorp Genetics (formerly Invitae), Labcorp
Classification: Uncertain significance. Last evaluated: 2024-03-27. Review status: criteria provided, single submitter. Criteria: Invitae Variant Classification Sherloc (09022015). Collection method: clinical testing. Allele origin: germline.
Comment: This sequence change replaces proline, which is neutral and non-polar, with threonine, which is neutral and polar, at codon 1751 of the SORL1 protein (p.Pro1751Thr). This variant is present in population databases (no rsID available, gnomAD 0.007%). This variant has not been reported in the literature in individuals affected with SORL1-related conditions. An algorithm developed to predict the effect of missense changes on protein structure and function (PolyPhen-2) suggests that this variant is likely to be disruptive. In summary, the available evidence is currently insufficient to determine the role of this variant in disease. Therefore, it has been classified as a Variant of Uncertain Significance.

Ambry Genetics
Classification: Uncertain significance. Last evaluated: 2024-02-12. Review status: criteria provided, single submitter. Criteria: Ambry Variant Classification Scheme 2023. Collection method: clinical testing. Allele origin: germline.

NM_003105.6(SORL1):c.5251C>A (p.Pro1751Thr)

Gene: SORL1 (sortilin related receptor 1; plus strand). Cytogenetic location: 11q24.1.
Variant type: single nucleotide variant.
Coding change: c.5251C>A on transcript NM_003105.6 (MANE Select); coding-DNA position 5251, C replaced by A.
Protein change: p.Pro1751Thr; replaces proline 1751 with threonine.
Molecular consequence: missense variant.
Genome position (GRCh38, 1-based): chr11:121,611,087, C>A. VCF-style: chr11-121611087-C-A. GRCh37 (hg19) VCF-style: chr11-121481796-C-A.
Other names: short protein forms P1751T.
Identifiers: ClinVar variation 3167615 (VCV003167615.3), dbSNP rs1237347092, ClinGen allele CA383041157.